The following is an entry in ClinVar:

ClinVar aggregate classification (germline): Uncertain significance. Review status: criteria provided, multiple submitters, no conflicts (2 of 4 stars). 3 submissions from 3 submitters: Uncertain significance (3). Last evaluated 2026-09-01.

Conditions:
Cryopyrin associated periodic syndrome (CAPS). Identifiers: Orphanet 208650, MedGen C2316212, MONDO:0016168.
Familial amyloid nephropathy with urticaria AND deafness (MWS). Also called: MUCKLE-WELLS SYNDROME; Urticaria, deafness and amyloidosis; UDA SYNDROME; URTICARIA-DEAFNESS-AMYLOIDOSIS SYNDROME; CRYOPYRIN-ASSOCIATED PERIODIC SYNDROME 2. Identifiers: Orphanet 575, MedGen C0268390, MONDO:0008633, OMIM 191900.
Hearing loss, autosomal dominant 34, with or without inflammation. Also called: DEAFNESS, AUTOSOMAL DOMINANT 34, WITH OR WITHOUT INFLAMMATION. Identifiers: MedGen C4521680, MONDO:0033261, OMIM 617772.
Chronic infantile neurological, cutaneous and articular syndrome (CINCA). Also called: Prieur Griscelli syndrome; CINCA syndrome; CHRONIC NEUROLOGIC CUTANEOUS AND ARTICULAR SYNDROME; CRYOPYRIN-ASSOCIATED PERIODIC SYNDROME 3. Identifiers: Orphanet 1451, MedGen C0409818, MONDO:0011776, OMIM 607115.
Keratitis fugax hereditaria. Also called: KERATOENDOTHELIITIS FUGAX HEREDITARIA. Identifiers: Orphanet 647815, MedGen C1835697, MONDO:0007849, OMIM 148200.
Familial cold autoinflammatory syndrome 1 (FCAS1). Also called: CRYOPYRIN-ASSOCIATED PERIODIC SYNDROME 1; Familial cold inflammatory syndrome 1. Identifiers: Orphanet 47045, MedGen C4551895, MONDO:0007349, OMIM 120100.

Allele frequency attached by ClinVar (database versions not stated): ExAC 0.00001; gnomAD exomes 0.00001 and 0.00002; TOPMed 0.00001.
gnomAD v4.1: 5 of 1,607,850 alleles (0.00031%); highest among the groups gnomAD compares: East Asian, 0.0045%; no homozygotes.

Submissions (3):

CeGaT Center for Human Genetics Tuebingen
Classification: Uncertain significance. Last evaluated: 2026-09-01. Review status: criteria provided, single submitter. Criteria: CeGaT Center For Human Genetics Tuebingen Variant Classification Criteria Version 2. Collection method: clinical testing. Allele origin: germline. Affected: yes. Observed: 1 variant allele.
Comment: NLRP3: PM2, BP4

Fulgent Genetics
Classification: Uncertain significance for Familial cold autoinflammatory syndrome 1; Keratitis fugax hereditaria; Familial amyloid nephropathy with urticaria AND deafness; Chronic infantile neurological, cutaneous and articular syndrome; Hearing loss, autosomal dominant 34, with or without inflammation. Last evaluated: 2024-04-10. Review status: criteria provided, single submitter. Criteria: ACMG Guidelines, 2015. Collection method: clinical testing. Allele origin: germline.

Labcorp Genetics (formerly Invitae), Labcorp
Classification: Uncertain significance for Cryopyrin associated periodic syndrome. Last evaluated: 2022-09-09. Review status: criteria provided, single submitter. Criteria: Invitae Variant Classification Sherloc (09022015). Collection method: clinical testing. Allele origin: germline.
Comment: In summary, the available evidence is currently insufficient to determine the role of this variant in disease. Therefore, it has been classified as a Variant of Uncertain Significance. Advanced modeling of protein sequence and biophysical properties (such as structural, functional, and spatial information, amino acid conservation, physicochemical variation, residue mobility, and thermodynamic stability) performed at Invitae indicates that this missense variant is not expected to disrupt NLRP3 protein function. ClinVar contains an entry for this variant (Variation ID: 940032). This variant has not been reported in the literature in individuals affected with NLRP3-related conditions. This variant is present in population databases (rs762512734, gnomAD 0.02%). This sequence change replaces alanine, which is neutral and non-polar, with threonine, which is neutral and polar, at codon 464 of the NLRP3 protein (p.Ala464Thr).

NM_001243133.2(NLRP3):c.1384G>A (p.Ala462Thr)

Gene: NLRP3 (NLR family pyrin domain containing 3; plus strand). Cytogenetic location: 1q44.
Variant type: single nucleotide variant.
Coding change: c.1384G>A on transcript NM_001243133.2 (MANE Select); coding-DNA position 1384, G replaced by A.
Protein change: p.Ala462Thr; replaces alanine 462 with threonine.
Molecular consequence: missense variant.
Genome position (GRCh38, 1-based): chr1:247,424,833, G>A. VCF-style: chr1-247424833-G-A. GRCh37 (hg19) VCF-style: chr1-247588135-G-A.
Other names: c.1384G>A, p.Ala462Thr (NM_001079821.3, NM_001127461.3, NM_001127462.3 and 1 more transcripts); c.1390G>A, p.Ala464Thr (NM_004895.5); short protein forms A462T, A464T.
Identifiers: ClinVar variation 940032 (VCV000940032.11), dbSNP rs762512734, ClinGen allele CA1495025.
Genomic context (GRCh38, chr1:247,424,833, plus strand): 5'-GTCTTCTTCCTTTCCAGTTTGCTGCAGCCCCGGGGAGGGAGCCAGGAGCACGGCCTCTGC[G>A]CCCACCTCTGGGGGCTCTGCTCTTTGGCTGCAGATGGAATCTGGAACCAGAAAATCCTGT-3'
Protein context (NP_001230062.1, residues 452-472): RGGSQEHGLC[Ala462Thr]HLWGLCSLAA